The following is an entry in ClinVar:

ClinVar aggregate classification (germline): Uncertain significance (0 of 4 stars; one submission).

Conditions:
ADAMTSL4-related disorder. Also called: ADAMTSL4-related condition; ADAMTSL4-Related Disorders.

Submission:

PreventionGenetics, part of Exact Sciences
Classification: Uncertain significance for ADAMTSL4-related condition. Last evaluated: 2024-01-21. Review status: no assertion criteria provided. Collection method: clinical testing. Allele origin: germline.
Comment: The ADAMTSL4 c.2604_2607delinsTG variant is predicted to result in a frameshift and premature protein termination (p.Gln870Glyfs*11). In the NM_025008.4 transcript, this variant occurs within the terminal exon and is predicted to cause a stop loss, resulting in extension of the protein reading frame by three codons. However, in an alternate transcript (NM_019032.6), this variant is found within an intronic region (c.2559+45_2559+48delinsTG). To our knowledge, this variant has not been reported in the literature or in a large population database, indicating this variant is rare. At this time, the clinical significance of this variant is uncertain due to the absence of conclusive functional and genetic evidence.

NM_019032.6(ADAMTSL4):c.2559+45_2559+48delinsTG

Gene: ADAMTSL4 (ADAMTS like 4; plus strand). Cytogenetic location: 1q21.2.
Variant type: Indel.
Coding change: c.2559+45_2559+48delinsTG on transcript NM_019032.6 (MANE Select); bases 45 to 48 of the intron after coding-DNA position 2559, CGCC replaced by TG.
Molecular consequence: intron variant. On other transcripts: frameshift variant (1).
Genome position (GRCh38, 1-based): chr1:150,558,694-150,558,697, CGCC replaced by TG. VCF-style: chr1-150558694-CGCC-TG. GRCh37 (hg19) VCF-style: chr1-150531170-CGCC-TG.
Other names: c.2604_2607delinsTG, p.Gln870fs (NM_025008.5); c.2628+45_2628+48delinsTG (NM_001288608.2); c.2442+45_2442+48delinsTG (NM_001288607.2); c.2559+45_2559+48delinsTG (NM_001378596.1); short protein forms Q870fs.
Identifiers: ClinVar variation 3061217 (VCV003061217.2), dbSNP rs2526773152, ClinGen allele CA2740090359.